The following is an entry in ClinVar:

NM_002485.5(NBN):c.563dup (p.Gln189fs)

Gene: NBN (nibrin; minus strand). Cytogenetic location: 8q21.3.
Variant type: Duplication.
Coding change: c.563dup on transcript NM_002485.5 (MANE Select); coding-DNA position 563, one base duplicated (A; older notation c.563dupA).
Protein change: p.Gln189fs; shifts the reading frame from glutamine 189.
Molecular consequence: frameshift variant.
Genome position (GRCh38, 1-based): chr8:89,978,241, T duplicated on the plus strand (A on the coding strand, the reverse complement: NBN is on the minus strand); the first of 2 consecutive T bases (chr8:89,978,241-89,978,242); duplicating either gives the same sequence. VCF-style (leftmost placement, unchanged base first): chr8-89978240-C-CT. GRCh37 (hg19) VCF-style: chr8-90990468-C-CT.
Other names: c.317dup, p.Gln107fs (NM_001024688.3); short protein forms Q107fs, Q189fs.
Identifiers: ClinVar variation 825865 (VCV000825865.4), dbSNP rs1586101226, ClinGen allele CA915945797.

ClinVar aggregate classification (germline): Pathogenic (1 of 4 stars; one submission).

Conditions:
Hereditary cancer-predisposing syndrome. Also called: Neoplastic Syndromes, Hereditary; Tumor predisposition; Hereditary neoplastic syndrome; Hereditary Cancer Syndrome. Identifiers: Orphanet 140162, MedGen C0027672, MeSH D009386, MONDO:0015356.

Submission:

Ambry Genetics
Classification: Pathogenic for Hereditary cancer-predisposing syndrome. Last evaluated: 2019-04-05. Review status: criteria provided, single submitter. Criteria: Ambry Variant Classification Scheme 2023. Collection method: clinical testing. Allele origin: germline.
Comment: The c.563dupA pathogenic mutation, located in coding exon 5 of the NBN gene, results from a duplication of A at nucleotide position 563, causing a translational frameshift with a predicted alternate stop codon (p.Q189Afs*6). This alteration is expected to result in loss of function by premature protein truncation or nonsense-mediated mRNA decay. As such, this alteration is interpreted as a disease-causing mutation.